The following is an entry in ClinVar:

ClinVar aggregate classification (germline): Uncertain significance (0 of 4 stars; one submission).

Conditions:
MYH6-related disorder. Also called: MYH6-Related Disorders; MYH6-related condition.

Submission:

PreventionGenetics, part of Exact Sciences
Classification: Uncertain significance for MYH6-related condition. Last evaluated: 2024-04-23. Review status: no assertion criteria provided. Collection method: clinical testing. Allele origin: germline.
Comment: The MYH6 c.1152G>T variant is predicted to result in the amino acid substitution p.Lys384Asn. To our knowledge, this variant has not been reported in the literature or in a large population database, indicating this variant is rare. At this time, the clinical significance of this variant is uncertain due to the absence of conclusive functional and genetic evidence.

NM_002471.4(MYH6):c.1152G>T (p.Lys384Asn)

Gene: MYH6 (myosin heavy chain 6; minus strand). Cytogenetic location: 14q11.2.
Variant type: single nucleotide variant.
Coding change: c.1152G>T on transcript NM_002471.4 (MANE Select); coding-DNA position 1152, G replaced by T.
Protein change: p.Lys384Asn; replaces lysine 384 with asparagine.
Molecular consequence: missense variant.
Genome position (GRCh38, 1-based): chr14:23,400,967, C>A on the plus strand (G>T on the coding strand, the complement: MYH6 is on the minus strand). VCF-style: chr14-23400967-C-A. GRCh37 (hg19) VCF-style: chr14-23870176-C-A.
Other names: short protein forms K384N.
Identifiers: ClinVar variation 3344313 (VCV003344313.1).